The following is an entry in ClinVar:

NM_001353921.2(ARHGEF9):c.454C>G (p.Leu152Val)

Gene: ARHGEF9 (Cdc42 guanine nucleotide exchange factor 9; minus strand). Cytogenetic location: Xq11.1.
Variant type: single nucleotide variant.
Coding change: c.454C>G on transcript NM_001353921.2 (MANE Select); coding-DNA position 454, C replaced by G.
Protein change: p.Leu152Val; replaces leucine 152 with valine.
Molecular consequence: missense variant.
Genome position (GRCh38, 1-based): chrX:63,697,253, G>C on the plus strand (C>G on the coding strand, the complement: ARHGEF9 is on the minus strand). VCF-style: chrX-63697253-G-C. GRCh37 (hg19) VCF-style: chrX-62917133-G-C.
Other names: c.274C>G, p.Leu92Val (NM_001173479.2); c.127C>G, p.Leu43Val (NM_001173480.2, NM_001369042.1); c.370C>G, p.Leu124Val (NM_001330495.2, NM_001353927.2, NM_001369043.1 and 8 more transcripts); c.454C>G, p.Leu152Val (NM_001353922.2); c.472C>G, p.Leu158Val (NM_001353923.1); c.253C>G, p.Leu85Val (NM_001353924.2, NM_001353926.2, NM_001369039.1 and 1 more transcripts); c.433C>G, p.Leu145Val (NM_001353928.2, NM_001369030.1, NM_001369031.1 and 2 more transcripts); c.19C>G, p.Leu7Val (NM_001369045.1); short protein forms L124V, L145V, L152V, L158V, L43V, L7V, L85V, L92V.
Identifiers: ClinVar variation 3389787 (VCV003389787.14).
Genomic context (GRCh38, chrX:63,697,253, plus strand): 5'-CTCTCACAAAGCCCATCTGAAATCTGTAGATATCTTCAATGTTCCCAAAGATTACCTTCA[G>C]TTGCTCGTCACTGAACATGTCCCTTCTCTTCCGGCACTGCTTCAGATAGCCCTGTAGACA-3'
Protein context (NP_001340850.1, residues 142-162): KRRDMFSDEQ[Leu152Val]KVIFGNIEDI

ClinVar aggregate classification (germline): Uncertain significance (1 of 4 stars; one submission).

Submission:

CeGaT Center for Human Genetics Tuebingen
Classification: Uncertain significance. Last evaluated: 2024-09-01. Review status: criteria provided, single submitter. Criteria: CeGaT Center For Human Genetics Tuebingen Variant Classification Criteria Version 2. Collection method: clinical testing. Allele origin: germline. Affected: yes. Observed: 1 variant allele.
Comment: ARHGEF9: PM2